The following is an entry in ClinVar:

NM_000032.5(ALAS2):c.741C>T (p.His247=)

Gene: ALAS2 (5'-aminolevulinate synthase 2; minus strand). Cytogenetic location: Xp11.21.
Variant type: single nucleotide variant.
Coding change: c.741C>T on transcript NM_000032.5 (MANE Select); coding-DNA position 741, C replaced by T.
Protein change: p.His247=; no amino-acid change (histidine 247 retained).
Molecular consequence: synonymous variant.
Genome position (GRCh38, 1-based): chrX:55,020,402, G>A on the plus strand (C>T on the coding strand, the complement: ALAS2 is on the minus strand). VCF-style: chrX-55020402-G-A. GRCh37 (hg19) VCF-style: chrX-55046835-G-A.
Other names: c.741C>T, p.His247= (LRG_1163t1); c.630C>T, p.His210= (NM_001037967.4); c.702C>T, p.His234= (NM_001037968.4).
Identifiers: ClinVar variation 368597 (VCV000368597.5), dbSNP rs1057515971, ClinGen allele CA10652017.

ClinVar aggregate classification (germline): Conflicting classifications of pathogenicity. Review status: criteria provided, conflicting classifications (1 of 4 stars). 2 submissions from 2 submitters: Uncertain significance (1); Likely benign (1). Last evaluated 2018-01-12.

Conditions:
X-linked sideroblastic anemia 1. Also called: Erythroid 5-aminolevulinate synthase deficiency; X chromosome-linked sideroblastic anemia; X-linked pyridoxine-refractory sideroblastic anemia; ANEMIA, SIDEROBLASTIC, 1, PYRIDOXINE REFRACTORY; Anemia, sideroblastic, 1; Anemia, hereditary sideroblastic 1, pyridoxine refractory. Identifiers: Orphanet 75563, MedGen C4551511, MONDO:0020721, OMIM 300751. Disease mechanism: loss of function.

Allele frequency attached by ClinVar (database versions not stated): gnomAD exomes below 0.00001.
gnomAD v4.1: 2 of 1,203,659 alleles (0.00017%); highest among the groups gnomAD compares: South Asian, 0.0018%; no homozygotes.

Submissions (2):

Illumina Laboratory Services, Illumina
Classification: Uncertain significance for X-linked sideroblastic anemia 1. Last evaluated: 2018-01-12. Review status: criteria provided, single submitter. Criteria: ICSL Variant Classification Criteria 13 December 2019. Collection method: clinical testing. Allele origin: germline.

GeneDx
Classification: Likely benign. Last evaluated: 2017-04-28. Review status: criteria provided, single submitter. Criteria: GeneDx Variant Classification (06012015). Collection method: clinical testing. Allele origin: germline. Affected: yes.
Comment: This variant is considered likely benign or benign based on one or more of the following criteria: it is a conservative change, it occurs at a poorly conserved position in the protein, it is predicted to be benign by multiple in silico algorithms, and/or has population frequency not consistent with disease.